The following is an entry in ClinVar:

ClinVar aggregate classification (germline): Uncertain significance (1 of 4 stars; one submission).

Conditions:
Brugada syndrome 7 (BRGDA7). Identifiers: Orphanet 130, MedGen C2751088, MONDO:0013146, OMIM 613120.

Submission:

Labcorp Genetics (formerly Invitae), Labcorp
Classification: Uncertain significance for Brugada syndrome 7. Last evaluated: 2021-06-09. Review status: criteria provided, single submitter. Criteria: Invitae Variant Classification Sherloc (09022015). Collection method: clinical testing. Allele origin: germline.
Comment: This variant results in a copy number gain of the genomic region encompassing exon(s) 2-5 of the SCN3B gene. The 5' boundary is likely confined to intron 1. The 3' end of this event is unknown as it extends beyond the assayed region for this gene and therefore may encompass additional genes. As the precise location of this event is unknown, it may be in tandem or it may be located elsewhere in the genome. This variant has not been reported in the literature in individuals with SCN3B-related conditions. In summary, the available evidence is currently insufficient to determine the role of this variant in disease. Therefore, it has been classified as a Variant of Uncertain Significance. Experimental studies and prediction algorithms are not available or were not evaluated, and the functional significance of this variant is currently unknown.

NC_000011.9:g.(?_123504851)_(123516478_?)dup

Gene: SCN3B (sodium voltage-gated channel beta subunit 3; minus strand). Cytogenetic location: 11q24.1.
Variant type: Duplication.
Identifiers: ClinVar variation 1412157 (VCV001412157.4).